The following is an entry in ClinVar:

NM_201596.3(CACNB2):c.1708C>G (p.Pro570Ala)

Gene: CACNB2 (calcium voltage-gated channel auxiliary subunit beta 2; plus strand). Cytogenetic location: 10p12.31.
Variant type: single nucleotide variant.
Coding change: c.1708C>G on transcript NM_201596.3 (MANE Select); coding-DNA position 1708, C replaced by G.
Protein change: p.Pro570Ala; replaces proline 570 with alanine.
Molecular consequence: missense variant.
Genome position (GRCh38, 1-based): chr10:18,539,449, C>G. VCF-style: chr10-18539449-C-G. GRCh37 (hg19) VCF-style: chr10-18828378-C-G.
Other names: c.1543C>G, p.Pro515Ala (NM_000724.4); c.1510C>G, p.Pro504Ala (NM_001167945.2); c.1429C>G, p.Pro477Ala (NM_001330060.2); c.1564C>G, p.Pro522Ala (NM_201570.3); c.1624C>G, p.Pro542Ala (NM_201571.4); c.1552C>G, p.Pro518Ala (NM_201572.4); c.1546C>G, p.Pro516Ala (NM_201590.3); c.1594C>G, p.Pro532Ala (NM_201593.3); and 1 more; short protein forms P516A, P570A, P504A, P515A, P518A, P522A, P542A, P477A.
Identifiers: ClinVar variation 418636 (VCV000418636.18), dbSNP rs151274272, ClinGen allele CA5430137.

ClinVar aggregate classification (germline): Uncertain significance. Review status: criteria provided, multiple submitters, no conflicts (2 of 4 stars). 6 submissions from 6 submitters: Uncertain significance (6). Last evaluated 2025-11-24.

Conditions:
CACNB2-related disorder. Also called: CACNB2-related condition.
Cardiovascular phenotype. Identifiers: MedGen CN230736.
Brugada syndrome 4 (BRGDA4). Identifiers: Orphanet 130, MedGen C2678477, MONDO:0012743, OMIM 611876.

Allele frequency attached by ClinVar (database versions not stated): gnomAD exomes 0.00005 and 0.00003; gnomAD 0.00006; TOPMed 0.00007; ESP Exome Variant Server 0.00015; ExAC 0.00004.
gnomAD v4.1: 77 of 1,613,852 alleles (0.0048%); highest among the groups gnomAD compares: Non-Finnish European, 0.0062%; no homozygotes.

Submissions (6):

Labcorp Genetics (formerly Invitae), Labcorp
Classification: Uncertain significance for Brugada syndrome 4. Last evaluated: 2025-11-24. Review status: criteria provided, single submitter. Criteria: Invitae Variant Classification Sherloc (09022015). Collection method: clinical testing. Allele origin: germline.
Comment: This sequence change replaces proline, which is neutral and non-polar, with alanine, which is neutral and non-polar, at codon 516 of the CACNB2 protein (p.Pro516Ala). This variant is present in population databases (rs151274272, gnomAD 0.009%). This variant has not been reported in the literature in individuals affected with CACNB2-related conditions. ClinVar contains an entry for this variant (Variation ID: 418636). Invitae Evidence Modeling of protein sequence and biophysical properties (such as structural, functional, and spatial information, amino acid conservation, physicochemical variation, residue mobility, and thermodynamic stability) indicates that this missense variant is not expected to disrupt CACNB2 protein function with a negative predictive value of 80%. In summary, the available evidence is currently insufficient to determine the role of this variant in disease. Therefore, it has been classified as a Variant of Uncertain Significance.

GeneDx
Classification: Uncertain significance. Last evaluated: 2025-10-27. Review status: criteria provided, single submitter. Criteria: GeneDx Variant Classification Process June 2021. Collection method: clinical testing. Allele origin: germline. Affected: yes.
Comment: Has not been previously published as pathogenic or benign to our knowledge; Not observed at significant frequency in large population cohorts (gnomAD); In silico analysis suggests that this missense variant does not alter protein structure/function; Variants in candidate genes are classified as variants of uncertain significance in accordance with ACMG guidelines (PMID: 25741868)

PreventionGenetics, part of Exact Sciences
Classification: Uncertain significance for CACNB2-related condition. Last evaluated: 2025-10-17. Review status: criteria provided, single submitter. Criteria: ACMG Guidelines, 2015. Collection method: clinical testing. Allele origin: germline.
Comment: The CACNB2 c.1546C>G variant is predicted to result in the amino acid substitution p.Pro516Ala. To our knowledge, this variant has not been reported in the literature. This variant is reported in 0.0070% of alleles in individuals of European (Non-Finnish) descent in gnomAD. At this time, the clinical significance of this variant is uncertain due to the absence of conclusive functional and genetic evidence.

Ambry Genetics
Classification: Uncertain significance for Cardiovascular phenotype. Last evaluated: 2025-06-22. Review status: criteria provided, single submitter. Criteria: Ambry Variant Classification Scheme 2023. Collection method: clinical testing. Allele origin: germline.
Comment: The p.P516A variant (also known as c.1546C>G), located in coding exon 13 of the CACNB2 gene, results from a C to G substitution at nucleotide position 1546. The proline at codon 516 is replaced by alanine, an amino acid with highly similar properties. This amino acid position is not well conserved in available vertebrate species, and alanine is the reference amino acid in other vertebrate species. In addition, this alteration is predicted to be tolerated by in silico analysis. Since supporting evidence is limited at this time, the clinical significance of this alteration remains unclear.

Fulgent Genetics
Classification: Uncertain significance for Brugada syndrome 4. Last evaluated: 2021-09-09. Review status: criteria provided, single submitter. Criteria: ACMG Guidelines, 2015. Collection method: clinical testing. Allele origin: unknown.

Centre for Mendelian Genomics, University Medical Centre Ljubljana
Classification: Uncertain significance for Brugada syndrome 4. Last evaluated: 2019-05-23. Review status: criteria provided, single submitter. Criteria: ACMG Guidelines, 2015. Collection method: clinical testing. Allele origin: unknown. Affected: yes.
Comment: This variant was classified as: Uncertain significance. The available evidence on this variant's pathogenicity is insufficient or conflicting. The following ACMG criteria were applied in classifying this variant: BP4.